The following is an entry in ClinVar:

ClinVar aggregate classification (germline): Pathogenic/Likely pathogenic. Review status: criteria provided, multiple submitters, no conflicts (2 of 4 stars). 4 submissions from 4 submitters: Pathogenic (3); Likely pathogenic (1). Last evaluated 2025-09-02.

Conditions:
CPLANE1-related disorders.
Joubert syndrome 17 (JBTS17). Identifiers: Orphanet 475, MedGen C3553264, MONDO:0013824, OMIM 614615.

Allele frequency attached by ClinVar (database versions not stated): gnomAD exomes below 0.00001; gnomAD 0.00001; TOPMed 0.00001.
gnomAD v4.1: 2 of 1,611,770 alleles (0.00012%); highest among the groups gnomAD compares: Non-Finnish European, 0.00017%; no homozygotes.

Submissions (4):

Labcorp Genetics (formerly Invitae), Labcorp
Classification: Pathogenic. Last evaluated: 2025-09-02. Review status: criteria provided, single submitter. Criteria: Invitae Variant Classification Sherloc (09022015). Collection method: clinical testing. Allele origin: germline.
Comment: This sequence change creates a premature translational stop signal (p.Glu2870*) in the CPLANE1 gene. It is expected to result in an absent or disrupted protein product. Loss-of-function variants in CPLANE1 are known to be pathogenic (PMID: 24178751, 26092869). This variant is not present in population databases (gnomAD no frequency). This premature translational stop signal has been observed in individual(s) with Joubert syndrome (PMID: 25407461). ClinVar contains an entry for this variant (Variation ID: 217567). For these reasons, this variant has been classified as Pathogenic.

GeneDx
Classification: Pathogenic. Last evaluated: 2023-10-01. Review status: criteria provided, single submitter. Criteria: GeneDx Variant Classification Process June 2021. Collection method: clinical testing. Allele origin: germline. Affected: yes.
Comment: Nonsense variant predicted to result in protein truncation or nonsense mediated decay in a gene for which loss of function is a known mechanism of disease; Reported in association with Joubert syndrome in published literature (Bachmann-Gagescu et al., 2015; Romani et al., 2015); Not observed at significant frequency in large population cohorts (gnomAD); This variant is associated with the following publications: (PMID: 26092869, 25407461)

Blueprint Genetics
Classification: Likely pathogenic for CPLANE1-related disorders. Last evaluated: 2022-01-28. Review status: criteria provided, single submitter. Criteria: ACMG Guidelines, 2015. Collection method: clinical testing. Allele origin: germline. Affected: yes. Observed: 3 variant alleles.

UW Hindbrain Malformation Research Program, University of Washington
Classification: Pathogenic for Joubert syndrome 17. Last evaluated: 2015-02-23. Review status: criteria provided, single submitter. Criteria: Bachmann-Gagescu et al. (J Med Genet. 2015). Collection method: research. Allele origin: unknown. Affected: yes.

Literature cited by the submitters: PubMed 24178751 (cited by Labcorp Genetics (formerly Invitae), Labcorp); PubMed 26092869 (cited by Labcorp Genetics (formerly Invitae), Labcorp); PubMed 25407461 (cited by Labcorp Genetics (formerly Invitae), Labcorp).

NM_001384732.1(CPLANE1):c.8770G>T (p.Glu2924Ter)

Gene: CPLANE1 (ciliogenesis and planar polarity effector complex subunit 1; minus strand). Cytogenetic location: 5p13.2.
Variant type: single nucleotide variant.
Coding change: c.8770G>T on transcript NM_001384732.1 (MANE Select); coding-DNA position 8770, G replaced by T.
Protein change: p.Glu2924Ter; replaces glutamic acid 2924 with a stop codon.
Molecular consequence: nonsense.
Genome position (GRCh38, 1-based): chr5:37,138,742, C>A on the plus strand (G>T on the coding strand, the complement: CPLANE1 is on the minus strand). VCF-style: chr5-37138742-C-A. GRCh37 (hg19) VCF-style: chr5-37138844-C-A.
Other names: c.8608G>T, p.Glu2870Ter (NM_023073.4); short protein forms E2870*, E2924*.
Identifiers: ClinVar variation 217567 (VCV000217567.10), dbSNP rs863225155, ClinGen allele CA279534.